The following is an entry in ClinVar:

ClinVar aggregate classification (germline): Uncertain significance (1 of 4 stars; one submission).

Conditions:
Hereditary cancer-predisposing syndrome. Also called: Tumor predisposition; Neoplastic Syndromes, Hereditary; Hereditary neoplastic syndrome; Hereditary Cancer Syndrome. Identifiers: Orphanet 140162, MedGen C0027672, MeSH D009386, MONDO:0015356.

Submission:

Ambry Genetics
Classification: Uncertain significance for Hereditary cancer-predisposing syndrome. Last evaluated: 2025-08-27. Review status: criteria provided, single submitter. Criteria: Ambry Variant Classification Scheme 2023. Collection method: clinical testing. Allele origin: germline.
Comment: The p.S371I variant (also known as c.1112G>T), located in coding exon 12 of the MUTYH gene, results from a G to T substitution at nucleotide position 1112. The serine at codon 371 is replaced by isoleucine, an amino acid with dissimilar properties. This amino acid position is conserved. In addition, this alteration is predicted to be tolerated by in silico analysis. Based on the available evidence, the clinical significance of this variant remains unclear.

NM_001048174.2(MUTYH):c.1028G>T (p.Ser343Ile)

Gene: MUTYH (mutY DNA glycosylase; minus strand). Cytogenetic location: 1p34.1.
Variant type: single nucleotide variant.
Coding change: c.1028G>T on transcript NM_001048174.2 (MANE Select); coding-DNA position 1028, G replaced by T.
Protein change: p.Ser343Ile; replaces serine 343 with isoleucine.
Molecular consequence: missense variant. On other transcripts: non-coding transcript variant (7).
Genome position (GRCh38, 1-based): chr1:45,331,735, C>A on the plus strand (G>T on the coding strand, the complement: MUTYH is on the minus strand). VCF-style: chr1-45331735-C-A. GRCh37 (hg19) VCF-style: chr1-45797407-C-A.
Other names: c.1070G>T, p.Ser357Ile (NM_001407083.1, NM_001407085.1); c.1028G>T, p.Ser343Ile (NM_001407088.1, NM_001048171.2, NM_001048173.2 and 6 more transcripts); c.1031G>T, p.Ser344Ile (NM_001407086.1, NM_001048172.2, NM_001407071.1 and 1 more transcripts); c.1049G>T, p.Ser350Ile (NM_001407087.1); c.1112G>T, p.Ser371Ile (NM_001128425.2); c.1073G>T, p.Ser358Ile (NM_001293190.2); c.1061G>T, p.Ser354Ile (NM_001293191.2, NM_001407069.1, NM_001407077.1); c.752G>T, p.Ser251Ile (NM_001293192.2, NM_001293196.2, NM_001407091.1); and 5 more; short protein forms S228I, S343I, S357I, S315I, S329I, S371I, S350I, S251I.
Identifiers: ClinVar variation 4113030 (VCV004113030.1).